The following is an entry in ClinVar:

NM_018063.5(HELLS):c.1537A>G (p.Arg513Gly)

Gene: HELLS (helicase, lymphoid specific; plus strand). Cytogenetic location: 10q23.33.
Variant type: single nucleotide variant.
Coding change: c.1537A>G on transcript NM_018063.5 (MANE Select); coding-DNA position 1537, A replaced by G.
Protein change: p.Arg513Gly; replaces arginine 513 with glycine.
Molecular consequence: missense variant.
Genome position (GRCh38, 1-based): chr10:94,590,461, A>G. VCF-style: chr10-94590461-A-G. GRCh37 (hg19) VCF-style: chr10-96350218-A-G.
Other names: c.1675A>G, p.Arg559Gly (NM_001289067.2); c.1489A>G, p.Arg497Gly (NM_001289068.2); c.1441A>G, p.Arg481Gly (NM_001289069.2); c.1243A>G, p.Arg415Gly (NM_001289070.2); c.1165A>G, p.Arg389Gly (NM_001289071.2); c.1147A>G, p.Arg383Gly (NM_001289072.2); c.1123A>G, p.Arg375Gly (NM_001289073.2); c.454A>G, p.Arg152Gly (NM_001289074.2); and 1 more; short protein forms R389G, R415G, R481G, R497G, R107G, R152G, R375G, R383G.
Identifiers: ClinVar variation 1028083 (VCV001028083.8), dbSNP rs145020994, ClinGen allele CA5615536.

ClinVar aggregate classification (germline): Uncertain significance. Review status: criteria provided, multiple submitters, no conflicts (2 of 4 stars). 4 submissions from 4 submitters: Uncertain significance (4). Last evaluated 2024-08-10.

Conditions:
Immunodeficiency-centromeric instability-facial anomalies syndrome 4 (ICF4). Identifiers: Orphanet 2268, MedGen C4310798, MONDO:0014829, OMIM 616911.
Inborn genetic diseases. Identifiers: MedGen C0950123, MeSH D030342.

Allele frequency attached by ClinVar (database versions not stated): TOPMed 0.00011; ExAC 0.00012; gnomAD 0.00013 and 0.00015; gnomAD exomes 0.00015 and 0.00040; ESP Exome Variant Server 0.00023.
gnomAD v4.1: 598 of 1,611,718 alleles (0.037%); highest among the groups gnomAD compares: Non-Finnish European, 0.049%; 1 homozygote.

Submissions (4):

Ambry Genetics
Classification: Uncertain significance for Inborn genetic diseases. Last evaluated: 2024-08-10. Review status: criteria provided, single submitter. Criteria: Ambry Variant Classification Scheme 2023. Collection method: clinical testing. Allele origin: germline.

Blueprint Genetics
Classification: Uncertain significance. Last evaluated: 2023-12-27. Review status: criteria provided, single submitter. Criteria: ACMG Guidelines, 2015. Collection method: clinical testing. Allele origin: germline.

Labcorp Genetics (formerly Invitae), Labcorp
Classification: Uncertain significance. Last evaluated: 2022-05-19. Review status: criteria provided, single submitter. Criteria: Invitae Variant Classification Sherloc (09022015). Collection method: clinical testing. Allele origin: germline.
Comment: This sequence change replaces arginine, which is basic and polar, with glycine, which is neutral and non-polar, at codon 513 of the HELLS protein (p.Arg513Gly). This variant is present in population databases (rs145020994, gnomAD 0.03%). This variant has not been reported in the literature in individuals affected with HELLS-related conditions. ClinVar contains an entry for this variant (Variation ID: 1028083). Algorithms developed to predict the effect of missense changes on protein structure and function are either unavailable or do not agree on the potential impact of this missense change (SIFT: "Deleterious"; PolyPhen-2: "Possibly Damaging"; Align-GVGD: "Class C0"). In summary, the available evidence is currently insufficient to determine the role of this variant in disease. Therefore, it has been classified as a Variant of Uncertain Significance.

Baylor Genetics
Classification: Uncertain significance for Immunodeficiency-centromeric instability-facial anomalies syndrome 4. Last evaluated: 2020-03-27. Review status: criteria provided, single submitter. Criteria: ACMG Guidelines, 2015. Collection method: clinical testing. Allele origin: unknown. Affected: yes.
Comment: This variant was determined to be of uncertain significance according to ACMG Guidelines, 2015 [PMID:25741868].